The following is an entry in ClinVar:

ClinVar aggregate classification (germline): Uncertain significance. Review status: criteria provided, multiple submitters, no conflicts (2 of 4 stars). 2 submissions from 2 submitters: Uncertain significance (2). Last evaluated 2025-03-26.

Conditions:
Charcot-Marie-Tooth disease dominant intermediate B (CMTDIB). Also called: CHARCOT-MARIE-TOOTH NEUROPATHY, DOMINANT INTERMEDIATE B; Charcot-Marie-Tooth disease dominant intermediate 1; CMT DI1; Charcot-Marie-Tooth disease dominant intermediate I. Identifiers: Orphanet 100044, Orphanet 228179, MedGen C1847902, MONDO:0011674, OMIM 606482.
Inborn genetic diseases. Identifiers: MedGen C0950123, MeSH D030342.

Allele frequency attached by ClinVar (database versions not stated): gnomAD 0.00001; gnomAD exomes 0.00001 and 0.00003; ExAC 0.00004.
gnomAD v4.1: 45 of 1,513,892 alleles (0.003%); highest among the groups gnomAD compares: Non-Finnish European, 0.0039%; no homozygotes.

Submissions (2):

Labcorp Genetics (formerly Invitae), Labcorp
Classification: Uncertain significance for Charcot-Marie-Tooth disease dominant intermediate B. Last evaluated: 2025-03-26. Review status: criteria provided, single submitter. Criteria: Invitae Variant Classification Sherloc (09022015). Collection method: clinical testing. Allele origin: germline.
Comment: This sequence change replaces histidine, which is basic and polar, with leucine, which is neutral and non-polar, at codon 28 of the DNM2 protein (p.His28Leu). This variant is present in population databases (rs774962668, gnomAD 0.002%). This variant has not been reported in the literature in individuals affected with DNM2-related conditions. ClinVar contains an entry for this variant (Variation ID: 533830). Invitae Evidence Modeling of protein sequence and biophysical properties (such as structural, functional, and spatial information, amino acid conservation, physicochemical variation, residue mobility, and thermodynamic stability) indicates that this missense variant is not expected to disrupt DNM2 protein function with a negative predictive value of 95%. In summary, the available evidence is currently insufficient to determine the role of this variant in disease. Therefore, it has been classified as a Variant of Uncertain Significance.

Ambry Genetics
Classification: Uncertain significance for Inborn genetic diseases. Last evaluated: 2019-11-12. Review status: criteria provided, single submitter. Criteria: Ambry Variant Classification Scheme 2023. Collection method: clinical testing. Allele origin: germline.
Comment: The p.H28L variant (also known as c.83A>T), located in coding exon 1 of the DNM2 gene, results from an A to T substitution at nucleotide position 83. The histidine at codon 28 is replaced by leucine, an amino acid with similar properties. This amino acid position is not well conserved in available vertebrate species. In addition, the in silico prediction for this alteration is inconclusive. Since supporting evidence is limited at this time, the clinical significance of this alteration remains unclear.

NM_001005361.3(DNM2):c.83A>T (p.His28Leu)

Genes: DNM2 (dynamin 2; plus strand), LOC130063529 (ATAC-STARR-seq lymphoblastoid silent region 10090; plus strand). Cytogenetic location: 19p13.2.
Variant type: single nucleotide variant.
Coding change: c.83A>T on transcript NM_001005361.3 (MANE Select); coding-DNA position 83, A replaced by T.
Protein change: p.His28Leu; replaces histidine 28 with leucine.
Molecular consequence: missense variant.
Genome position (GRCh38, 1-based): chr19:10,718,325, A>T. VCF-style: chr19-10718325-A-T. GRCh37 (hg19) VCF-style: chr19-10829001-A-T.
Other names: c.83A>T, p.His28Leu (NM_001005360.3, NM_001005362.3, NM_001190716.2 and 1 more transcripts); short protein forms H28L.
Identifiers: ClinVar variation 533830 (VCV000533830.11), dbSNP rs774962668, ClinGen allele CA9200677.
Genomic context (GRCh38, chr19:10,718,325, plus strand): 5'-AGCTGATCCCGCTGGTCAACAAACTGCAGGACGCCTTCAGCTCCATCGGCCAGAGCTGCC[A>T]CCTGGACCTGCCGCAGATCGCTGTAGTGGGCGGCCAGAGCGCCGGCAAGAGCTCGGTGCT-3'
Protein context (NP_001005361.1, residues 18-38): DAFSSIGQSC[His28Leu]LDLPQIAVVG